The following is an entry in ClinVar:

NM_001367868.2(PLIN4):c.1145_1342del (p.Lys382_Ala447del)

Gene: PLIN4 (perilipin 4; minus strand). Cytogenetic location: 19p13.3.
Variant type: Deletion.
Coding change: c.1145_1342del on transcript NM_001367868.2 (MANE Select); coding-DNA positions 1145 to 1342, 198 bases deleted.
Protein change: p.Lys382_Ala447del.
Molecular consequence: inframe deletion.
Genome position (GRCh38, 1-based): chr19:4,512,618-4,512,815, 198 bases deleted. GRCh37 (hg19): chr19:4,512,637-4,512,834.
Other names: c.1148_1345del, p.Lys383_Ala448del (NM_001393888.1, NM_001393889.1); c.1145_1342del, p.Lys382_Ala447del (NM_001393890.1, NM_001393891.1).
Identifiers: ClinVar variation 2649055 (VCV002649055.24), dbSNP rs1568234156, ClinGen allele CA9100735.

ClinVar aggregate classification (germline): Likely benign (1 of 4 stars; one submission).

Submission:

CeGaT Center for Human Genetics Tuebingen
Classification: Likely benign. Last evaluated: 2024-07-01. Review status: criteria provided, single submitter. Criteria: CeGaT Center For Human Genetics Tuebingen Variant Classification Criteria Version 2. Collection method: clinical testing. Allele origin: germline. Affected: yes. Observed: 13 variant alleles.
Comment: PLIN4: PM4, BS2